The following is an entry in ClinVar:

ClinVar aggregate classification (germline): Benign (1 of 4 stars; one submission).

Allele frequency attached by ClinVar (database versions not stated): gnomAD 0.04374 and 0.04695; TOPMed 0.05008; 1000 Genomes Project 0.05112; 1000 Genomes Project 30x 0.05481.
gnomAD v4.1: 6,609 of 152,274 alleles (4.3%); highest among the groups gnomAD compares: African/African-American, 15%; 492 homozygotes.

Submission:

GeneDx
Classification: Benign. Last evaluated: 2018-06-16. Review status: criteria provided, single submitter. Criteria: GeneDx Variant Classification (06012015). Collection method: clinical testing. Allele origin: germline. Affected: yes.
Comment: This variant is considered likely benign or benign based on one or more of the following criteria: it is a conservative change, it occurs at a poorly conserved position in the protein, it is predicted to be benign by multiple in silico algorithms, and/or has population frequency not consistent with disease.

NM_032578.4(MYPN):c.1459+206T>C

Gene: MYPN (myopalladin; plus strand). Cytogenetic location: 10q21.3.
Variant type: single nucleotide variant.
Coding change: c.1459+206T>C on transcript NM_032578.4 (MANE Select); 206 bases into the intron after coding-DNA position 1459, T replaced by C.
Molecular consequence: intron variant.
Genome position (GRCh38, 1-based): chr10:68,158,833, T>C. VCF-style: chr10-68158833-T-C. GRCh37 (hg19) VCF-style: chr10-69918590-T-C.
Other names: c.1459+206T>C (NM_001256267.2); c.577+206T>C (NM_001256268.2).
Identifiers: ClinVar variation 674105 (VCV000674105.1), dbSNP rs77053350, ClinGen allele CA208187163.